The following is an entry in ClinVar:

ClinVar aggregate classification (germline): Benign/Likely benign. Review status: criteria provided, multiple submitters, no conflicts (2 of 4 stars). 5 submissions from 5 submitters: Benign (2); Likely benign (2). 1 of the submissions does not count toward it. Last evaluated 2019-12-31.

Conditions:
CENPE-related disorder. Also called: CENPE-related condition.

Allele frequency attached by ClinVar (database versions not stated): gnomAD 0.00501 and 0.00550; TOPMed 0.00505; ESP Exome Variant Server 0.00531; 1000 Genomes Project 0.00599; gnomAD exomes 0.00681 and 0.00712; 1000 Genomes Project 30x 0.00687; ExAC 0.00713.
gnomAD v4.1: 10,863 of 1,613,702 alleles (0.67%); highest among the groups gnomAD compares: South Asian, 2%; 83 homozygotes.

Submissions (5):

Labcorp Genetics (formerly Invitae), Labcorp
Classification: Benign. Last evaluated: 2019-12-31. Review status: criteria provided, single submitter. Criteria: Invitae Variant Classification Sherloc (09022015). Collection method: clinical testing. Allele origin: germline.

GeneDx
Classification: Benign. Last evaluated: 2019-10-21. Review status: criteria provided, single submitter. Criteria: GeneDx Variant Classification Process June 2021. Collection method: clinical testing. Allele origin: germline. Affected: yes.

Center for Pediatric Genomic Medicine, Children's Mercy Hospital and Clinics
Classification: Likely benign. Last evaluated: 2017-02-13. Review status: criteria provided, single submitter. Criteria: ACMG Guidelines, 2015. Collection method: clinical testing. Allele origin: germline.
ClinVar note: Converted during submission from Likely Benign to Likely benign.

Breakthrough Genomics
Classification: Likely benign. Review status: criteria provided, single submitter. Criteria: ACMG Guidelines, 2015. Collection method: not provided. Allele origin: germline. Inheritance: Autosomal recessive inheritance. Affected: yes.

PreventionGenetics, part of Exact Sciences
Classification: Benign for CENPE-related condition. Last evaluated: 2019-04-18. Review status: no assertion criteria provided. Collection method: clinical testing. Allele origin: germline. Not counted in ClinVar's aggregate classification.
Comment: This variant is classified as benign based on ACMG/AMP sequence variant interpretation guidelines (Richards et al. 2015 PMID: 25741868, with internal and published modifications).

NM_001813.3(CENPE):c.6974C>G (p.Ser2325Cys)

Gene: CENPE (centromere protein E; minus strand). Cytogenetic location: 4q24.
Variant type: single nucleotide variant.
Coding change: c.6974C>G on transcript NM_001813.3 (MANE Select); coding-DNA position 6974, C replaced by G.
Protein change: p.Ser2325Cys; replaces serine 2325 with cysteine.
Molecular consequence: missense variant.
Genome position (GRCh38, 1-based): chr4:103,123,040, G>C on the plus strand (C>G on the coding strand, the complement: CENPE is on the minus strand). VCF-style: chr4-103123040-G-C. GRCh37 (hg19) VCF-style: chr4-104044197-G-C.
Other names: c.6611C>G, p.Ser2204Cys (NM_001286734.2); short protein forms S2325C, S2204C.
Identifiers: ClinVar variation 376761 (VCV000376761.12), dbSNP rs61751592, ClinGen allele CA3029251.